The following is an entry in ClinVar:

ClinVar aggregate classification (germline): Uncertain significance (1 of 4 stars; one submission).

Conditions:
Hypertrophic cardiomyopathy. Also called: HYPERTROPHIC MYOCARDIOPATHY. Identifiers: Orphanet 217569, MedGen C0007194, MeSH D002312, MONDO:0005045, HP:0001639.

Submission:

Labcorp Genetics (formerly Invitae), Labcorp
Classification: Uncertain significance for Hypertrophic cardiomyopathy. Last evaluated: 2024-06-22. Review status: criteria provided, single submitter. Criteria: Invitae Variant Classification Sherloc (09022015). Collection method: clinical testing. Allele origin: germline.
Comment: This sequence change replaces glycine, which is neutral and non-polar, with tryptophan, which is neutral and slightly polar, at codon 1508 of the MYOM1 protein (p.Gly1508Trp). This variant is not present in population databases (gnomAD no frequency). This variant has not been reported in the literature in individuals affected with MYOM1-related conditions. Advanced modeling of protein sequence and biophysical properties (such as structural, functional, and spatial information, amino acid conservation, physicochemical variation, residue mobility, and thermodynamic stability) has been performed at Invitae for this missense variant, however the output from this modeling did not meet the statistical confidence thresholds required to predict the impact of this variant on MYOM1 protein function. In summary, the available evidence is currently insufficient to determine the role of this variant in disease. Therefore, it has been classified as a Variant of Uncertain Significance.

NM_003803.4(MYOM1):c.4522G>T (p.Gly1508Trp)

Gene: MYOM1 (myomesin 1; minus strand). Cytogenetic location: 18p11.31.
Variant type: single nucleotide variant.
Coding change: c.4522G>T on transcript NM_003803.4 (MANE Select); coding-DNA position 4522, G replaced by T.
Protein change: p.Gly1508Trp; replaces glycine 1508 with tryptophan.
Molecular consequence: missense variant.
Genome position (GRCh38, 1-based): chr18:3,079,305, C>A on the plus strand (G>T on the coding strand, the complement: MYOM1 is on the minus strand). VCF-style: chr18-3079305-C-A. GRCh37 (hg19) VCF-style: chr18-3079303-C-A.
Other names: c.4234G>T, p.Gly1412Trp (NM_019856.2); short protein forms G1412W, G1508W.
Identifiers: ClinVar variation 3672918 (VCV003672918.2).